The following is an entry in ClinVar:

NM_000352.6(ABCC8):c.4296C>T (p.Ser1432=)

Gene: ABCC8 (ATP binding cassette subfamily C member 8; minus strand). Cytogenetic location: 11p15.1.
Variant type: single nucleotide variant.
Coding change: c.4296C>T on transcript NM_000352.6 (MANE Select); coding-DNA position 4296, C replaced by T.
Protein change: p.Ser1432=; no amino-acid change (serine 1432 retained).
Molecular consequence: synonymous variant. On other transcripts: non-coding transcript variant (1).
Genome position (GRCh38, 1-based): chr11:17,395,621, G>A on the plus strand (C>T on the coding strand, the complement: ABCC8 is on the minus strand). VCF-style: chr11-17395621-G-A. GRCh37 (hg19) VCF-style: chr11-17417168-G-A.
Other names: c.4299C>T, p.Ser1433= (NM_001287174.3); c.4362C>T, p.Ser1454= (NM_001351295.2); c.4296C>T, p.Ser1432= (NM_001351296.2); c.4293C>T, p.Ser1431= (NM_001351297.2).
Identifiers: ClinVar variation 764032 (VCV000764032.13), dbSNP rs752222583, ClinGen allele CA5902520.
Genomic context (GRCh38, chr11:17,395,621, plus strand): 5'-AACTGAGCCGGCCTGGGGCTGGGTGGGCCTGAGGGGTGGTGGGGCTCACCGGATGGTGCC[G>A]CTGAAGAGGACGGGGTCCTGCAGGATGATGGAGAGGCGTGAGCGCAGGGTGTGCAGCGGC-3'
Protein context (NP_000343.2, residues 1422-1442): SIILQDPVLF[Ser1432=]GTIRFNLDPE

ClinVar aggregate classification (germline): Conflicting classifications of pathogenicity. Review status: criteria provided, conflicting classifications (1 of 4 stars). 5 submissions from 4 submitters: Uncertain significance (2); Likely benign (2). 1 of the submissions does not count toward it. Last evaluated 2025-08-10.

Conditions:
Hereditary hyperinsulinism.
Transitory neonatal diabetes mellitus. Also called: Transient neonatal diabetes mellitus. Identifiers: MedGen C0342273, MONDO:0020525, HP:0008255.
Maturity-onset diabetes of the young (MODY). Also called: Maturity onset diabetes mellitus in young. Identifiers: Orphanet 552, MedGen C0342276, MONDO:0018911, HP:0004904.

Allele frequency attached by ClinVar (database versions not stated): ExAC below 0.00001; gnomAD 0.00001; gnomAD exomes 0.00002 and 0.00009; TOPMed 0.00006.

Submissions (5):

Labcorp Genetics (formerly Invitae), Labcorp
Classification: Likely benign. Last evaluated: 2025-08-10. Review status: criteria provided, single submitter. Criteria: Invitae Variant Classification Sherloc (09022015). Collection method: clinical testing. Allele origin: germline.

Blueprint Genetics
Classification: Likely benign. Last evaluated: 2024-07-23. Review status: criteria provided, single submitter. Criteria: ACMG Guidelines, 2015. Collection method: clinical testing. Allele origin: germline.

Clinical Genomics, Uppaluri K&H Personalized Medicine Clinic
Classification: Uncertain significance for Maturity-onset diabetes of the young. Review status: criteria provided, single submitter. Criteria: K & H Uppaluri Personalized Medicine Clinic Variant Classification & Assertion Criteria_Updated V.1. Collection method: research. Allele origin: somatic. Inheritance: Somatic mutation.
Comment: Mutations in ABCC8 gene are associated with both neonatal diabetes mellitus as well as MODY. Patients with this mutation may have a better response to sulfonylureas. However, no sufficient evidence is found to ascertain the role of this particular variant ( rs752222583) in MODY yet.

Clinical Genomics, Uppaluri K&H Personalized Medicine Clinic
Classification: Uncertain significance for Transitory neonatal diabetes mellitus. Review status: criteria provided, single submitter. Criteria: K & H Uppaluri Personalized Medicine Clinic Variant Classification & Assertion Criteria_Updated V.1. Collection method: research. Allele origin: somatic. Inheritance: Somatic mutation.
Comment: Mutations in ABCC8 gene are associated with both neonatal diabetes mellitus as well as MODY. Patients with this mutation may have a better response to sulfonylureas. However, no sufficient evidence is found to ascertain the role of this particular variant (rs752222583) in neonatal diabetes yet.

Natera, Inc.
Classification: Uncertain significance for Hereditary hyperinsulinism. Last evaluated: 2020-01-24. Review status: no assertion criteria provided. Collection method: clinical testing. Allele origin: germline. Not counted in ClinVar's aggregate classification.

Literature cited by the submitters: PubMed 16885549 (cited by Clinical Genomics, Uppaluri K&H Personalized Medicine Clinic); PubMed 21989597 (cited by Clinical Genomics, Uppaluri K&H Personalized Medicine Clinic); PubMed 27538677 (cited by Clinical Genomics, Uppaluri K&H Personalized Medicine Clinic); PubMed 18981553 (cited by Clinical Genomics, Uppaluri K&H Personalized Medicine Clinic); PubMed 32027066 (cited by Clinical Genomics, Uppaluri K&H Personalized Medicine Clinic); PubMed 16613899 (cited by Clinical Genomics, Uppaluri K&H Personalized Medicine Clinic); PubMed 18025408 (cited by Clinical Genomics, Uppaluri K&H Personalized Medicine Clinic); PubMed 32792356 (cited by Clinical Genomics, Uppaluri K&H Personalized Medicine Clinic).